The following is an entry in ClinVar:

ClinVar aggregate classification (germline): Uncertain significance. Review status: criteria provided, multiple submitters, no conflicts (2 of 4 stars). 2 submissions from 2 submitters: Uncertain significance (2). Last evaluated 2025-06-12.

Conditions:
Inborn genetic diseases. Identifiers: MedGen C0950123, MeSH D030342.

Allele frequency attached by ClinVar (database versions not stated): gnomAD 0.00002; gnomAD exomes 0.00002; ExAC 0.00001.
gnomAD v4.1: 13 of 1,613,986 alleles (0.00081%); highest among the groups gnomAD compares: African/African-American, 0.004%; no homozygotes.

Submissions (2):

Ambry Genetics
Classification: Uncertain significance for Inborn genetic diseases. Last evaluated: 2025-06-12. Review status: criteria provided, single submitter. Criteria: Ambry Variant Classification Scheme 2023. Collection method: clinical testing. Allele origin: germline.

Labcorp Genetics (formerly Invitae), Labcorp
Classification: Uncertain significance. Last evaluated: 2021-07-02. Review status: criteria provided, single submitter. Criteria: Invitae Variant Classification Sherloc (09022015). Collection method: clinical testing. Allele origin: germline.
Comment: Algorithms developed to predict the effect of missense changes on protein structure and function (SIFT, PolyPhen-2, Align-GVGD) all suggest that this variant is likely to be disruptive. This variant has not been reported in the literature in individuals affected with RFX6-related conditions. In summary, the available evidence is currently insufficient to determine the role of this variant in disease. Therefore, it has been classified as a Variant of Uncertain Significance. This variant is present in population databases (rs749331605, ExAC 0.006%). This sequence change replaces arginine with cysteine at codon 578 of the RFX6 protein (p.Arg578Cys). The arginine residue is highly conserved and there is a large physicochemical difference between arginine and cysteine.

NM_173560.4(RFX6):c.1732C>T (p.Arg578Cys)

Genes: RFX6 (regulatory factor X6; plus strand), LOC126859771 (BRD4-independent group 4 enhancer GRCh37_chr6:117246147-117247346; plus strand). Cytogenetic location: 6q22.1.
Variant type: single nucleotide variant.
Coding change: c.1732C>T on transcript NM_173560.4 (MANE Select); coding-DNA position 1732, C replaced by T.
Protein change: p.Arg578Cys; replaces arginine 578 with cysteine.
Molecular consequence: missense variant.
Genome position (GRCh38, 1-based): chr6:116,925,506, C>T. VCF-style: chr6-116925506-C-T. GRCh37 (hg19) VCF-style: chr6-117246669-C-T.
Other names: c.1732C>T (NM_173560.3); short protein forms R578C.
Identifiers: ClinVar variation 1358378 (VCV001358378.7), dbSNP rs749331605, ClinGen allele CA3973395.